The following is an entry in ClinVar:

NM_052844.4(DYNC2I2):c.4G>A (p.Ala2Thr)

Gene: DYNC2I2 (dynein 2 intermediate chain 2; minus strand). Cytogenetic location: 9q34.11.
Variant type: single nucleotide variant.
Coding change: c.4G>A on transcript NM_052844.4 (MANE Select); coding-DNA position 4, G replaced by A.
Protein change: p.Ala2Thr; replaces alanine 2 with threonine.
Molecular consequence: missense variant.
Genome position (GRCh38, 1-based): chr9:128,656,723, C>T on the plus strand (G>A on the coding strand, the complement: DYNC2I2 is on the minus strand). VCF-style: chr9-128656723-C-T. GRCh37 (hg19) VCF-style: chr9-131419002-C-T.
Other names: short protein forms A2T.
Identifiers: ClinVar variation 1681278 (VCV001681278.3), dbSNP rs867246942, ClinGen allele CA200386470.

ClinVar aggregate classification (germline): Uncertain significance (1 of 4 stars; one submission).

Conditions:
Short-rib thoracic dysplasia 11 with or without polydactyly (SRTD11). Also called: SHORT-RIB THORACIC DYSPLASIA 11 WITHOUT POLYDACTYLY. Identifiers: Orphanet 474, Orphanet 93271, MedGen C3810200, MONDO:0014287, OMIM 615633.

gnomAD v4.1: 6 of 1,411,782 alleles (0.00042%); highest among the groups gnomAD compares: Admixed American, 0.02%; no homozygotes.

Submission:

Labcorp Genetics (formerly Invitae), Labcorp
Classification: Uncertain significance for Short-rib thoracic dysplasia 11 with or without polydactyly. Last evaluated: 2021-10-14. Review status: criteria provided, single submitter. Criteria: Invitae Variant Classification Sherloc (09022015). Collection method: clinical testing. Allele origin: germline.
Comment: This sequence change replaces alanine with threonine at codon 2 of the WDR34 protein (p.Ala2Thr). The alanine residue is weakly conserved and there is a small physicochemical difference between alanine and threonine. The frequency data for this variant in the population databases is considered unreliable, as metrics indicate insufficient coverage at this position in the ExAC database. This variant has not been reported in the literature in individuals affected with WDR34-related conditions. Algorithms developed to predict the effect of missense changes on protein structure and function are either unavailable or do not agree on the potential impact of this missense change (SIFT: "Deleterious"; PolyPhen-2: "Probably Damaging"; Align-GVGD: "Class C0"). In summary, the available evidence is currently insufficient to determine the role of this variant in disease. Therefore, it has been classified as a Variant of Uncertain Significance.